The following is an entry in ClinVar:

ClinVar aggregate classification (germline): Uncertain significance (1 of 4 stars; one submission).

Submission:

Labcorp Genetics (formerly Invitae), Labcorp
Classification: Uncertain significance. Last evaluated: 2025-09-28. Review status: criteria provided, single submitter. Criteria: Invitae Variant Classification Sherloc (09022015). Collection method: clinical testing. Allele origin: germline.
Comment: This sequence change replaces isoleucine, which is neutral and non-polar, with valine, which is neutral and non-polar, at codon 555 of the ARIH1 protein (p.Ile555Val). This variant is not present in population databases (gnomAD no frequency). This variant has not been reported in the literature in individuals affected with ARIH1-related conditions. An algorithm developed to predict the effect of missense changes on protein structure and function (PolyPhen-2) suggests that this variant is likely to be tolerated. Algorithms developed to predict the effect of sequence changes on RNA splicing suggest that this variant may create or strengthen a splice site. In summary, the available evidence is currently insufficient to determine the role of this variant in disease. Therefore, it has been classified as a Variant of Uncertain Significance.

NM_005744.5(ARIH1):c.1663A>G (p.Ile555Val)

Gene: ARIH1 (ariadne RBR E3 ubiquitin protein ligase 1; plus strand). Cytogenetic location: 15q24.1.
Variant type: single nucleotide variant.
Coding change: c.1663A>G on transcript NM_005744.5 (MANE Select); coding-DNA position 1663, A replaced by G.
Protein change: p.Ile555Val; replaces isoleucine 555 with valine.
Molecular consequence: missense variant.
Genome position (GRCh38, 1-based): chr15:72,583,281, A>G. VCF-style: chr15-72583281-A-G. GRCh37 (hg19) VCF-style: chr15-72875622-A-G.
Other names: short protein forms I555V.
Identifiers: ClinVar variation 4811903 (VCV004811903.1).
Genomic context (GRCh38, chr15:72,583,281, plus strand): 5'-CGACGAAGGGTTTTGTTACAGCATGTGCATGAAGGCTATGAAAAAGATCTGTGGGAGTAC[A>G]TTGAGGACTGAGAATGGCCCTGCATAAAATGAACTCTGAAAACTTTACCATCTAGAGTGC-3'
Protein context (NP_005735.2, residues 545-557): EGYEKDLWEY[Ile555Val]ED